The following is an entry in ClinVar:

ClinVar aggregate classification (germline): Conflicting classifications of pathogenicity. Review status: criteria provided, conflicting classifications (1 of 4 stars). 2 submissions from 2 submitters: Likely pathogenic (1); Uncertain significance (1). Last evaluated 2025-02-27.

Conditions:
Solitary median maxillary central incisor syndrome. Also called: Single Central Incisor Syndrome; SMMCI SYNDROME; FUSED INCISORS; SINGLE CENTRAL MAXILLARY INCISOR; Solitary median maxillary central incisor. Identifiers: MedGen C1840235, MONDO:0007819, OMIM 147250, HP:0006315.
SHH-related disorder. Also called: SHH-related condition; SHH-related disorders.

Submissions (2):

Laboratory of Molecular Genetics, CHU Rennes
Classification: Likely pathogenic for Solitary median maxillary central incisor syndrome. Last evaluated: 2025-02-27. Review status: criteria provided, single submitter. Criteria: ACMG Guidelines, 2015. Collection method: clinical testing. Allele origin: unknown. Inheritance: Autosomal dominant inheritance. Affected: yes.
Comment: In summary, this variant meets criteria to be classified as likely pathogenic for holoprosencephaly based on the ACMG criteria applied (PM1, PM2, PP3, PP4).

PreventionGenetics, part of Exact Sciences
Classification: Uncertain significance for SHH-related condition. Last evaluated: 2023-07-17. Review status: criteria provided, single submitter. Criteria: ACMG Guidelines, 2015. Collection method: clinical testing. Allele origin: germline.
Comment: The SHH c.698T>G variant is predicted to result in the amino acid substitution p.Leu233Arg. To our knowledge, this variant has not been reported in the literature or in a large population database, indicating this variant is rare. At this time, the clinical significance of this variant is uncertain due to the absence of conclusive functional and genetic evidence.

NM_000193.4(SHH):c.698T>G (p.Leu233Arg)

Gene: SHH (sonic hedgehog signaling molecule; minus strand). Cytogenetic location: 7q36.3.
Variant type: single nucleotide variant.
Coding change: c.698T>G on transcript NM_000193.4 (MANE Select); coding-DNA position 698, T replaced by G.
Protein change: p.Leu233Arg; replaces leucine 233 with arginine.
Molecular consequence: missense variant. On other transcripts: intron variant (1).
Genome position (GRCh38, 1-based): chr7:155,803,591, A>C on the plus strand (T>G on the coding strand, the complement: SHH is on the minus strand). VCF-style: chr7-155803591-A-C. GRCh37 (hg19) VCF-style: chr7-155596285-A-C.
Other names: c.301+2705T>G (NM_001310462.2); short protein forms L233R.
Identifiers: ClinVar variation 2631808 (VCV002631808.2), dbSNP rs2535894379, ClinGen allele CA370146388.